The following is an entry in ClinVar:

ClinVar aggregate classification (germline): Uncertain significance (1 of 4 stars; one submission).

gnomAD v4.1: 17 of 1,563,712 alleles (0.0011%); highest among the groups gnomAD compares: Non-Finnish European, 0.0015%; no homozygotes.

Submission:

Labcorp Genetics (formerly Invitae), Labcorp
Classification: Uncertain significance. Last evaluated: 2022-09-06. Review status: criteria provided, single submitter. Criteria: Invitae Variant Classification Sherloc (09022015). Collection method: clinical testing. Allele origin: germline.
Comment: ClinVar contains an entry for this variant (Variation ID: 1026206). In summary, the available evidence is currently insufficient to determine the role of this variant in disease. Therefore, it has been classified as a Variant of Uncertain Significance. Experimental studies and prediction algorithms are not available or were not evaluated, and the functional significance of this variant is currently unknown. This variant has not been reported in the literature in individuals affected with CAPN5-related conditions. This variant is not present in population databases (gnomAD no frequency). This sequence change creates a premature translational stop signal (p.Tyr514*) in the CAPN5 gene. It is expected to result in an absent or disrupted protein product. However, the current clinical and genetic evidence is not sufficient to establish whether loss-of-function variants in CAPN5 cause disease.

NM_004055.5(CAPN5):c.1542C>A (p.Tyr514Ter)

Gene: CAPN5 (calpain 5; plus strand). Cytogenetic location: 11q13.5.
Variant type: single nucleotide variant.
Coding change: c.1542C>A on transcript NM_004055.5 (MANE Select); coding-DNA position 1542, C replaced by A.
Protein change: p.Tyr514Ter; replaces tyrosine 514 with a stop codon.
Molecular consequence: nonsense.
Genome position (GRCh38, 1-based): chr11:77,121,988, C>A. VCF-style: chr11-77121988-C-A. GRCh37 (hg19) VCF-style: chr11-76833034-C-A.
Other names: short protein forms Y514*.
Identifiers: ClinVar variation 1026206 (VCV001026206.6), dbSNP rs963271162, ClinGen allele CA224831330.